The following is an entry in ClinVar:

NM_001377458.1(CLCC1):c.1461T>G (p.Ser487Arg)

Gene: CLCC1 (chloride channel CLIC like 1; minus strand). Cytogenetic location: 1p13.3.
Variant type: single nucleotide variant.
Coding change: c.1461T>G on transcript NM_001377458.1 (MANE Select); coding-DNA position 1461, T replaced by G.
Protein change: p.Ser487Arg; replaces serine 487 with arginine.
Molecular consequence: missense variant. On other transcripts: non-coding transcript variant (1).
Genome position (GRCh38, 1-based): chr1:108,934,865, A>C on the plus strand (T>G on the coding strand, the complement: CLCC1 is on the minus strand). VCF-style: chr1-108934865-A-C. GRCh37 (hg19) VCF-style: chr1-109477487-A-C.
Other names: c.1461T>G, p.Ser487Arg (NM_001048210.3, NM_001377459.1, NM_001377460.1 and 8 more transcripts); c.1098T>G, p.Ser366Arg (NM_001278202.2); c.906T>G, p.Ser302Arg (NM_001278203.1); c.1359T>G, p.Ser453Arg (NM_001377469.1); c.1170T>G, p.Ser390Arg (NM_001377470.1); c.1311T>G, p.Ser437Arg (NM_015127.5); short protein forms S302R, S366R, S390R, S437R, S453R, S487R.
Identifiers: ClinVar variation 1716771 (VCV001716771.5), dbSNP rs2101612797, ClinGen allele CA341456104.
Genomic context (GRCh38, chr1:108,934,865, plus strand): 5'-TTCTGTATTCCCTGATGTGTCTTGGCCAGAGACAGGCTTGGCCGACTGGCTGCTTTCAGT[A>C]CTGCTTTCTTTCGGTGTGCCTTCCCCCAGGATTCCACCTGTCTCCTTGGGCTTTGTATCC-3'
Protein context (NP_001364387.1, residues 477-497): ILGEGTPKES[Ser487Arg]TESSQSAKPV

ClinVar aggregate classification (germline): Uncertain significance (1 of 4 stars; one submission).

Submission:

Labcorp Genetics (formerly Invitae), Labcorp
Classification: Uncertain significance. Last evaluated: 2022-08-19. Review status: criteria provided, single submitter. Criteria: Invitae Variant Classification Sherloc (09022015). Collection method: clinical testing. Allele origin: germline.
Comment: This sequence change replaces serine, which is neutral and polar, with arginine, which is basic and polar, at codon 487 of the CLCC1 protein (p.Ser487Arg). This variant is not present in population databases (gnomAD no frequency). This variant has not been reported in the literature in individuals affected with CLCC1-related conditions. Algorithms developed to predict the effect of missense changes on protein structure and function output the following: SIFT: "Deleterious"; PolyPhen-2: "Benign"; Align-GVGD: "Class C0". The arginine amino acid residue is found in multiple mammalian species, which suggests that this missense change does not adversely affect protein function. In summary, the available evidence is currently insufficient to determine the role of this variant in disease. Therefore, it has been classified as a Variant of Uncertain Significance.